The following is an entry in ClinVar:

NM_032620.4(GTPBP3):c.1370C>G (p.Ala457Gly)

Gene: GTPBP3 (GTP binding protein 3, mitochondrial; plus strand). Cytogenetic location: 19p13.11.
Variant type: single nucleotide variant.
Coding change: c.1370C>G on transcript NM_032620.4 (MANE Select); coding-DNA position 1370, C replaced by G.
Protein change: p.Ala457Gly; replaces alanine 457 with glycine.
Molecular consequence: missense variant.
Genome position (GRCh38, 1-based): chr19:17,341,594, C>G. VCF-style: chr19-17341594-C-G. GRCh37 (hg19) VCF-style: chr19-17452403-C-G.
Other names: c.1307C>G, p.Ala436Gly (NM_001128855.3); c.1436C>G, p.Ala479Gly (NM_001195422.1); c.1466C>G, p.Ala489Gly (NM_133644.4); short protein forms A457G, A436G, A479G, A489G.
Identifiers: ClinVar variation 1361186 (VCV001361186.8), dbSNP rs2074433087, ClinGen allele CA404739611.

ClinVar aggregate classification (germline): Uncertain significance (1 of 4 stars; one submission).

Submission:

Labcorp Genetics (formerly Invitae), Labcorp
Classification: Uncertain significance. Last evaluated: 2024-10-22. Review status: criteria provided, single submitter. Criteria: Invitae Variant Classification Sherloc (09022015). Collection method: clinical testing. Allele origin: germline.
Comment: This sequence change replaces alanine, which is neutral and non-polar, with glycine, which is neutral and non-polar, at codon 489 of the GTPBP3 protein (p.Ala489Gly). This variant is not present in population databases (gnomAD no frequency). This variant has not been reported in the literature in individuals affected with GTPBP3-related conditions. ClinVar contains an entry for this variant (Variation ID: 1361186). Invitae Evidence Modeling of protein sequence and biophysical properties (such as structural, functional, and spatial information, amino acid conservation, physicochemical variation, residue mobility, and thermodynamic stability) indicates that this missense variant is not expected to disrupt GTPBP3 protein function with a negative predictive value of 80%. In summary, the available evidence is currently insufficient to determine the role of this variant in disease. Therefore, it has been classified as a Variant of Uncertain Significance.